The following is an entry in ClinVar:

ClinVar aggregate classification (germline): Uncertain significance (1 of 4 stars; one submission).

Allele frequency attached by ClinVar (database versions not stated): TOPMed 0.00001.
gnomAD v4.1: 4 of 1,192,183 alleles (0.00034%); highest among the groups gnomAD compares: Admixed American, 0.0044%; no homozygotes.

Submission:

Labcorp Genetics (formerly Invitae), Labcorp
Classification: Uncertain significance. Last evaluated: 2023-11-07. Review status: criteria provided, single submitter. Criteria: Invitae Variant Classification Sherloc (09022015). Collection method: clinical testing. Allele origin: germline.
Comment: This sequence change replaces isoleucine, which is neutral and non-polar, with leucine, which is neutral and non-polar, at codon 211 of the IL1RAPL1 protein (p.Ile211Leu). This variant is present in population databases (rs756024054, gnomAD 0.004%). This variant has not been reported in the literature in individuals affected with IL1RAPL1-related conditions. An algorithm developed to predict the effect of missense changes on protein structure and function (PolyPhen-2) suggests that this variant¬†is likely to be tolerated. In summary, the available evidence is currently insufficient to determine the role of this variant in disease. Therefore, it has been classified as a Variant of Uncertain Significance.

NM_014271.4(IL1RAPL1):c.631A>C (p.Ile211Leu)

Gene: IL1RAPL1 (interleukin 1 receptor accessory protein like 1; plus strand). Cytogenetic location: Xp21.2.
Variant type: single nucleotide variant.
Coding change: c.631A>C on transcript NM_014271.4 (MANE Select); coding-DNA position 631, A replaced by C.
Protein change: p.Ile211Leu; replaces isoleucine 211 with leucine.
Molecular consequence: missense variant.
Genome position (GRCh38, 1-based): chrX:29,399,236, A>C. VCF-style: chrX-29399236-A-C. GRCh37 (hg19) VCF-style: chrX-29417353-A-C.
Other names: short protein forms I211L.
Identifiers: ClinVar variation 3016675 (VCV003016675.1), dbSNP rs756024054, ClinGen allele CA10375443.